The following is an entry in ClinVar:

NM_000478.6(ALPL):c.644T>C (p.Ile215Thr)

Gene: ALPL (alkaline phosphatase, biomineralization associated; plus strand). Cytogenetic location: 1p36.12.
Variant type: single nucleotide variant.
Coding change: c.644T>C on transcript NM_000478.6 (MANE Select); coding-DNA position 644, T replaced by C.
Protein change: p.Ile215Thr; replaces isoleucine 215 with threonine.
Molecular consequence: missense variant.
Genome position (GRCh38, 1-based): chr1:21,564,212, T>C. VCF-style: chr1-21564212-T-C. GRCh37 (hg19) VCF-style: chr1-21890705-T-C.
Other names: c.644T>C, p.Ile215Thr (NM_001369804.2, NM_001369805.2, NM_001369803.2); c.479T>C, p.Ile160Thr (NM_001127501.4); c.413T>C, p.Ile138Thr (NM_001177520.3); c.644T>C (NM_000478.5); short protein forms I138T, I160T, I215T.
Identifiers: ClinVar variation 4086824 (VCV004086824.3).

ClinVar aggregate classification (germline): Conflicting classifications of pathogenicity. Review status: criteria provided, conflicting classifications (1 of 4 stars). 3 submissions from 3 submitters: Likely pathogenic (2); Uncertain significance (1). Last evaluated 2025-12-11.

Conditions:
Hypophosphatasia. Also called: Phosphoethanol-aminuria. Identifiers: Orphanet 436, MedGen C0020630, MeSH D007014, MONDO:0018570.

gnomAD v4.1: 1 of 1,613,510 alleles (0.000062%); highest among the groups gnomAD compares: Non-Finnish European, 0.000085%; no homozygotes.

Submissions (3):

JKU Lab, Dept of Paediatrics, Johannes Kepler University
Classification: Uncertain significance for Hypophosphatasia. Last evaluated: 2025-12-11. Review status: criteria provided, single submitter. Criteria: ACMG Guidelines, 2015. Collection method: curation, in vitro. Allele origin: germline, not applicable. Affected: yes. Functional consequence: function uncertain.
Comment: This missense variant is present in GnomAD 4.1 (f = 8.475e-7 in the European, non-Finnish population) and affects a highly conserved amino acid, not in the active site domain. The variant is predicted to affect protein function (REVEL score: 0.939). Splice-prediction algorithms predict no effect on splicing. In vitro functional studies showed reduced ALP activity without a dominant negative effect. This variant has been reported in the literature in individuals affected by ALPL-related conditions (PMID:38895587). The results of the functional testing and the applied ACMG criteria can be viewed at an online resource

Natera, Inc.
Classification: Likely pathogenic for Hypophosphatasia. Last evaluated: 2025-12-11. Review status: criteria provided, single submitter. Criteria: Natera Variant Classification Schema (03/2026). Collection method: clinical testing. Allele origin: germline.
Comment: The c.644T>C variant in ALPL is a missense variant predicted to cause substitution of isoleucine to threonine at amino acid 215. This variant is rare in the general population with a frequency below the threshold expected for the associated phenotype(s). This variant has been observed in one or more individuals affected with the associated recessive disease, as either homozygous or compound heterozygous with a second variant (PMID: 38895587, 32973344). Computational prediction algorithms indicate this variant is likely to affect gene or protein function. Given the available evidence, this variant is classified as Likely Pathogenic.

Genomenon, Inc
Classification: Likely pathogenic for Hypophosphatasia. Last evaluated: 2025-08-29. Review status: criteria provided, single submitter. Criteria: Genomenon Sequence Variant Interpretation Standards. Collection method: curation. Allele origin: germline. Affected: yes.
Comment: ALPL c.644T>C is a missense variant that changes the amino acid at residue 215 from Isoleucine to Threonine. This variant has been observed in at least one proband affected with hypophosphatasia (PMID:38895587). It has been observed in trans with a pathogenic variant (PMID:38895587). It is absent or not present at a significant frequency in gnomAD. In silico models agree that this variant is possibly or probably damaging. In conclusion, we classify ALPL p.Ile215Thr (c.644T>C) as a likely pathogenic variant.

Literature cited by the submitters: PubMed 38895587 (cited by 3 submitters); PubMed 32973344 (cited by Natera, Inc.).